The following is an entry in ClinVar:

ClinVar aggregate classification (germline): Uncertain significance (1 of 4 stars; one submission).

Submission:

Labcorp Genetics (formerly Invitae), Labcorp
Classification: Uncertain significance. Last evaluated: 2024-07-23. Review status: criteria provided, single submitter. Criteria: Invitae Variant Classification Sherloc (09022015). Collection method: clinical testing. Allele origin: germline.
Comment: This sequence change replaces cysteine, which is neutral and slightly polar, with serine, which is neutral and polar, at codon 646 of the EFL1 protein (p.Cys646Ser). This variant is not present in population databases (gnomAD no frequency). This variant has not been reported in the literature in individuals affected with EFL1-related conditions. Advanced modeling of protein sequence and biophysical properties (such as structural, functional, and spatial information, amino acid conservation, physicochemical variation, residue mobility, and thermodynamic stability) performed at Invitae indicates that this missense variant is not expected to disrupt EFL1 protein function with a negative predictive value of 80%. In summary, the available evidence is currently insufficient to determine the role of this variant in disease. Therefore, it has been classified as a Variant of Uncertain Significance.

NM_024580.6(EFL1):c.1937G>C (p.Cys646Ser)

Gene: EFL1 (elongation factor like GTPase 1; minus strand). Cytogenetic location: 15q25.2.
Variant type: single nucleotide variant.
Coding change: c.1937G>C on transcript NM_024580.6 (MANE Select); coding-DNA position 1937, G replaced by C.
Protein change: p.Cys646Ser; replaces cysteine 646 with serine.
Molecular consequence: missense variant. On other transcripts: non-coding transcript variant (1).
Genome position (GRCh38, 1-based): chr15:82,157,806, C>G on the plus strand (G>C on the coding strand, the complement: EFL1 is on the minus strand). VCF-style: chr15-82157806-C-G. GRCh37 (hg19) VCF-style: chr15-82450147-C-G.
Other names: c.1784G>C, p.Cys595Ser (NM_001040610.3); c.1148G>C, p.Cys383Ser (NM_001322844.2); c.1937G>C, p.Cys646Ser (NM_001322845.2); short protein forms C646S, C383S, C595S.
Identifiers: ClinVar variation 3684032 (VCV003684032.2).